The following is an entry in ClinVar:

NM_003849.4(SUCLG1):c.452A>C (p.Asp151Ala)

Gene: SUCLG1 (succinate-CoA ligase GDP/ADP-forming subunit alpha; minus strand). Cytogenetic location: 2p11.2.
Variant type: single nucleotide variant.
Coding change: c.452A>C on transcript NM_003849.4 (MANE Select); coding-DNA position 452, A replaced by C.
Protein change: p.Asp151Ala; replaces aspartic acid 151 with alanine.
Molecular consequence: missense variant.
Genome position (GRCh38, 1-based): chr2:84,441,326, T>G on the plus strand (A>C on the coding strand, the complement: SUCLG1 is on the minus strand). VCF-style: chr2-84441326-T-G. GRCh37 (hg19) VCF-style: chr2-84668450-T-G.
Other names: c.452A>C (NM_003849.3); short protein forms D151A.
Identifiers: ClinVar variation 1346582 (VCV001346582.5), dbSNP rs778946494, ClinGen allele CA1736308.
Genomic context (GRCh38, chr2:84,441,326, plus strand): 5'-TTGGGCCCAATTAGCCTTGTCTTTTCCTGGCGCAGCAGTTTGTGCTTGACTCGTACCATG[T>G]CCTGCTGGGGAATTCCTTCAGTGATACACACAACCAAGGGAATTTCTGCCTCAATAGCTT-3'
Protein context (NP_003840.2, residues 141-161): VCITEGIPQQ[Asp151Ala]MVRVKHKLLR

ClinVar aggregate classification (germline): Uncertain significance. Review status: criteria provided, multiple submitters, no conflicts (2 of 4 stars). 3 submissions from 3 submitters: Uncertain significance (3). Last evaluated 2025-01-07.

Conditions:
Inborn genetic diseases. Identifiers: MedGen C0950123, MeSH D030342.
Mitochondrial DNA depletion syndrome 9 (MTDPS9). Also called: SUCLG1-Related Mitochondrial DNA Depletion Syndrome, Encephalomyopathic Form with Methylmalonic Aciduria. Identifiers: Orphanet 17, MedGen C3151476, MONDO:0009504, OMIM 245400.

Allele frequency attached by ClinVar (database versions not stated): gnomAD 0.00005 and 0.00006; gnomAD exomes 0.00005 and 0.00006; TOPMed 0.00005; ExAC 0.00007.
gnomAD v4.1: 82 of 1,614,034 alleles (0.0051%); highest among the groups gnomAD compares: Non-Finnish European, 0.0062%; no homozygotes.

Submissions (3):

Ambry Genetics
Classification: Uncertain significance for Inborn genetic diseases. Last evaluated: 2025-01-07. Review status: criteria provided, single submitter. Criteria: Ambry Variant Classification Scheme 2023. Collection method: clinical testing. Allele origin: germline.

Genomic Medicine Center of Excellence, King Faisal Specialist Hospital and Research Centre
Classification: Uncertain significance for Mitochondrial DNA depletion syndrome 9. Last evaluated: 2024-03-29. Review status: criteria provided, single submitter. Criteria: ACMG Guidelines, 2015. Collection method: clinical testing. Allele origin: germline.

Labcorp Genetics (formerly Invitae), Labcorp
Classification: Uncertain significance for Mitochondrial DNA depletion syndrome 9. Last evaluated: 2022-08-22. Review status: criteria provided, single submitter. Criteria: Invitae Variant Classification Sherloc (09022015). Collection method: clinical testing. Allele origin: germline.
Comment: This sequence change replaces aspartic acid, which is acidic and polar, with alanine, which is neutral and non-polar, at codon 151 of the SUCLG1 protein (p.Asp151Ala). This variant is present in population databases (rs778946494, gnomAD 0.009%). This variant has not been reported in the literature in individuals affected with SUCLG1-related conditions. ClinVar contains an entry for this variant (Variation ID: 1346582). Algorithms developed to predict the effect of missense changes on protein structure and function (SIFT, PolyPhen-2, Align-GVGD) all suggest that this variant is likely to be disruptive. In summary, the available evidence is currently insufficient to determine the role of this variant in disease. Therefore, it has been classified as a Variant of Uncertain Significance.